The following is an entry in ClinVar:

NM_017636.4(TRPM4):c.2011G>C (p.Gly671Arg)

Gene: TRPM4 (transient receptor potential cation channel subfamily M member 4; plus strand). Cytogenetic location: 19q13.33.
Variant type: single nucleotide variant.
Coding change: c.2011G>C on transcript NM_017636.4 (MANE Select); coding-DNA position 2011, G replaced by C.
Protein change: p.Gly671Arg; replaces glycine 671 with arginine.
Molecular consequence: missense variant.
Genome position (GRCh38, 1-based): chr19:49,189,083, G>C. VCF-style: chr19-49189083-G-C. GRCh37 (hg19) VCF-style: chr19-49692340-G-C.
Other names: c.2011G>C, p.Gly671Arg (NM_001195227.2); c.1666G>C, p.Gly556Arg (NM_001321281.2); c.403G>C, p.Gly135Arg (NM_001321282.2); c.1489G>C, p.Gly497Arg (NM_001321283.2); c.949G>C, p.Gly317Arg (NM_001321285.2); short protein forms G135R, G317R, G497R, G556R, G671R.
Identifiers: ClinVar variation 1013947 (VCV001013947.8), dbSNP rs1968312254, ClinGen allele CA406804253.

ClinVar aggregate classification (germline): Uncertain significance (1 of 4 stars; one submission).

Conditions:
Progressive familial heart block type IB (PFHB1B). Identifiers: Orphanet 871, MedGen C1970298, MONDO:0011474, OMIM 604559.

gnomAD v4.1: 2 of 1,614,138 alleles (0.00012%); no homozygotes.

Submission:

Labcorp Genetics (formerly Invitae), Labcorp
Classification: Uncertain significance for Progressive familial heart block type IB. Last evaluated: 2020-10-26. Review status: criteria provided, single submitter. Criteria: Invitae Variant Classification Sherloc (09022015). Collection method: clinical testing. Allele origin: germline.
Comment: Algorithms developed to predict the effect of missense changes on protein structure and function are either unavailable or do not agree on the potential impact of this missense change (SIFT: "Tolerated"; PolyPhen-2: "Probably Damaging"; Align-GVGD: "Class C0"). This variant has not been reported in the literature in individuals with TRPM4-related conditions. This variant is not present in population databases (ExAC no frequency). This sequence change replaces glycine with arginine at codon 671 of the TRPM4 protein (p.Gly671Arg). The glycine residue is highly conserved and there is a moderate physicochemical difference between glycine and arginine. In summary, the available evidence is currently insufficient to determine the role of this variant in disease. Therefore, it has been classified as a Variant of Uncertain Significance.